The following is an entry in ClinVar:

ClinVar aggregate classification (germline): Uncertain significance (1 of 4 stars; one submission).

Conditions:
Hereditary sensory and autonomic neuropathy type 6. Also called: HSAN VI; Neuropathy, hereditary sensory and autonomic, type VI. Identifiers: Orphanet 314381, MedGen C3539003, MONDO:0013839, OMIM 614653.
Epidermolysis bullosa simplex 3, localized or generalized intermediate, with BP230 deficiency (EBS3). Also called: Epidermolysis bullosa simplex, autosomal recessive 2; Epidermolysis bullosa simplex due to BP230 deficiency. Identifiers: Orphanet 412181, MedGen C3809470, MONDO:0014180, OMIM 615425.

Allele frequency attached by ClinVar (database versions not stated): gnomAD 0.00001; TOPMed 0.00001.
gnomAD v4.1: 1 of 1,539,454 alleles (0.000065%); highest among the groups gnomAD compares: Admixed American, 0.0022%; no homozygotes.

Submission:

Labcorp Genetics (formerly Invitae), Labcorp
Classification: Uncertain significance for Epidermolysis bullosa simplex 3, localized or generalized intermediate, with BP230 deficiency; Hereditary sensory and autonomic neuropathy type 6. Last evaluated: 2023-02-17. Review status: criteria provided, single submitter. Criteria: Invitae Variant Classification Sherloc (09022015). Collection method: clinical testing. Allele origin: germline.
Comment: This variant is not present in population databases (gnomAD no frequency). The DST gene has multiple clinically relevant transcripts. This variant occurs in alternate transcript NM_015548.4, and corresponds to NM_001723.5:c.*139170T>C in the primary transcript. This sequence change falls in intron 72 of the DST gene. It does not directly change the encoded amino acid sequence of the DST protein. This variant has not been reported in the literature in individuals affected with DST-related conditions. Experimental studies and prediction algorithms are not available or were not evaluated, and the functional significance of this variant is currently unknown. In summary, the available evidence is currently insufficient to determine the role of this variant in disease. Therefore, it has been classified as a Variant of Uncertain Significance.

NM_001374736.1(DST):c.21676-10T>C

Gene: DST (dystonin; minus strand). Cytogenetic location: 6p12.1.
Variant type: single nucleotide variant.
Coding change: c.21676-10T>C on transcript NM_001374736.1 (MANE Select); 10 bases into the intron before coding-DNA position 21676, T replaced by C.
Molecular consequence: intron variant.
Genome position (GRCh38, 1-based): chr6:56,476,347, A>G on the plus strand (T>C on the coding strand, the complement: DST is on the minus strand). VCF-style: chr6-56476347-A-G. GRCh37 (hg19) VCF-style: chr6-56341145-A-G.
Other names: c.15319-10T>C (NM_001144769.5); c.21676-10T>C (NM_001374722.1); c.21703-10T>C (NM_001374734.1); c.14905-10T>C (NM_001144770.2); c.14458-10T>C (NM_001374730.1); c.14785-10T>C (NM_001386100.1, NM_183380.4); c.20716-10T>C (NM_001374729.1); c.13807-10T>C (NM_015548.5).
Identifiers: ClinVar variation 2929883 (VCV002929883.3), dbSNP rs1244329025, ClinGen allele CA826155609.
Genomic context (GRCh38, chr6:56,476,347, plus strand): 5'-AGCCAGAGCACTTGCTAATCTCTGCTGATGTTGCTTTGCCCAGGCCAGCACCTGTCAGAG[A>G]AACAGAAATTTCTCTGAATTTCCTCCAACTTAGTAAAATAATTGCAGTGATGTAAAATAA-3'